The following is an entry in ClinVar:

ClinVar aggregate classification (germline): Conflicting classifications of pathogenicity. Review status: criteria provided, conflicting classifications (1 of 4 stars). 6 submissions from 6 submitters: Likely pathogenic (2); Uncertain significance (3). 1 of the submissions does not count toward it. Last evaluated 2025-12-02.

Conditions:
GRHPR-related disorder. Also called: GRHPR-related condition.
Primary hyperoxaluria, type II (HP2). Also called: GLYCERIC ACIDURIA; GLYOXYLATE REDUCTASE/HYDROXYPYRUVATE REDUCTASE DEFICIENCY; Primary hyperoxaluria type 2; OXALOSIS II; D-GLYCERATE DEHYDROGENASE DEFICIENCY. Identifiers: Orphanet 416, Orphanet 93599, MedGen C0268165, MONDO:0009824, OMIM 260000. Disease mechanism: loss of function.

Allele frequency attached by ClinVar (database versions not stated): ExAC 0.00001; gnomAD 0.00001; gnomAD exomes 0.00001; TOPMed 0.00002.
gnomAD v4.1: 10 of 1,608,756 alleles (0.00062%); highest among the groups gnomAD compares: Admixed American, 0.0033%; no homozygotes.

Submissions (6):

PreventionGenetics, part of Exact Sciences
Classification: Likely pathogenic for GRHPR-related condition. Last evaluated: 2025-12-02. Review status: criteria provided, single submitter. Criteria: ACMG Guidelines, 2015. Collection method: clinical testing. Allele origin: germline.
Comment: The GRHPR c.478G>A variant is predicted to result in the amino acid substitution p.Gly160Arg. In the literature, this variant has been reported in individuals with primary hyperoxaluria type II (PH2), although phasing of variants was not provided (Table 3, Garrelfs et al. 2019. PubMed ID: 31685312; Table 1, Rios et al. 2017. PubMed ID: 29319775). This variant was seen along with another likely pathogenic or pathogenic GRHPR variant in two individuals undergoing primary hyperoxaluria testing, although phasing of the variants was not determined in either patient (Internal Data, PreventionGenetics). This variant is reported in 0.0028% of alleles in individuals of Latino descent in gnomAD and has conflicting interpretations of pathogenicity in the ClinVar database ranging from uncertain to likely pathogenic (Variation ID: 204234). We classify this variant as likely pathogenic.

Myriad Genetics, Inc.
Classification: Uncertain significance for Primary hyperoxaluria, type II. Last evaluated: 2025-09-08. Review status: criteria provided, single submitter. Criteria: Myriad Autosomal Dominant, Autosomal Recessive and X-Linked Classification Criteria (2023). Collection method: clinical testing. Allele origin: unknown.
Comment: NM_012203.1(GRHPR):c.478G>A(G160R) is a missense variant classified as a variant of uncertain significance in the context of primary hyperoxaluria type 2. G160R has been observed in cases with relevant disease (PMID: 29319775, 31685312). Relevant functional assessments of this variant are not available in the literature. G160R has been observed in referenced population frequency databases. In summary, there is insufficient evidence to classify NM_012203.1(GRHPR):c.478G>A(G160R) as pathogenic or benign. Please note: this variant was assessed in the context of healthy population screening.

Fulgent Genetics
Classification: Uncertain significance for Primary hyperoxaluria, type II. Last evaluated: 2024-02-23. Review status: criteria provided, single submitter. Criteria: ACMG Guidelines, 2015. Collection method: clinical testing. Allele origin: germline.

3billion
Classification: Likely pathogenic for Primary hyperoxaluria, type II. Last evaluated: 2024-02-22. Review status: criteria provided, single submitter. Criteria: ACMG Guidelines, 2015. Collection method: clinical testing. Allele origin: germline. Affected: yes.
Comment: The variant is observed at an extremely low frequency in the gnomAD v2.1.1 dataset (total allele frequency: 0.001%). Predicted Consequence/Location: The majority of the known disease-causing variants of this gene are variants expected to result in premature termination of the protein. In silico tool predictions suggest damaging effect of the variant on gene or gene product [REVEL: 0.98 (>=0.6, sensitivity 0.68 and specificity 0.92); 3Cnet: 0.92 (>=0.6, sensitivity 0.72 and precision 0.9)]. Same nucleotide change resulting in same amino acid change has been previously reported as pathogenic/likely pathogenic with strong evidence (ClinVar ID: VCV000204234). Therefore, this variant is classified as Likely pathogenic according to the recommendation of ACMG/AMP guideline.

Blueprint Genetics
Classification: Uncertain significance. Last evaluated: 2022-06-22. Review status: criteria provided, single submitter. Criteria: ACMG Guidelines, 2015. Collection method: clinical testing. Allele origin: germline.

Clinical Biochemistry Laboratory, Health Services Laboratory
Classification: Pathogenic for Primary hyperoxaluria, type II. Last evaluated: 2014-11-27. Review status: no assertion criteria provided. Collection method: research. Allele origin: germline. Affected: yes. Not counted in ClinVar's aggregate classification.

Literature cited by the submitters: PubMed 29319775 (cited by Myriad Genetics, Inc.); PubMed 31685312 (cited by Myriad Genetics, Inc.).

NM_012203.2(GRHPR):c.478G>A (p.Gly160Arg)

Gene: GRHPR (glyoxylate and hydroxypyruvate reductase; plus strand). Cytogenetic location: 9p13.2.
Variant type: single nucleotide variant.
Coding change: c.478G>A on transcript NM_012203.2 (MANE Select); coding-DNA position 478, G replaced by A.
Protein change: p.Gly160Arg; replaces glycine 160 with arginine.
Molecular consequence: missense variant.
Genome position (GRCh38, 1-based): chr9:37,428,557, G>A. VCF-style: chr9-37428557-G-A. GRCh37 (hg19) VCF-style: chr9-37428554-G-A.
Other names: short protein forms G160R.
Identifiers: ClinVar variation 204234 (VCV000204234.9), dbSNP rs180177312, ClinGen allele CA275889.